The following is an entry in ClinVar:

ClinVar aggregate classification (germline): Uncertain significance (1 of 4 stars; one submission).

Conditions:
Mitochondrial DNA depletion syndrome, encephalomyopathic form with methylmalonic aciduria (MTDPS5). Also called: Mitochondrial encephalomyopathy aminoacidopathy; MITOCHONDRIAL DNA DEPLETION SYNDROME, ENCEPHALOMYOPATHIC FORM, WITH OR WITHOUT METHYLMALONIC ACIDURIA, AUTOSOMAL RECESSIVE, SUCLA2-RELATED; Mitochondrial DNA depletion syndrome 5 (encephalomyopathic with or without methylmalonic aciduria); SUCLA2-Related Mitochondrial DNA Depletion Syndrome, Encephalomyopathic Form with Methylmalonic Aciduria. Identifiers: Orphanet 1933, MedGen C5980207, MONDO:0012791, OMIM 612073.

Submission:

Victorian Clinical Genetics Services, Murdoch Childrens Research Institute
Classification: Uncertain significance for Mitochondrial DNA depletion syndrome, encephalomyopathic form with methylmalonic aciduria. Last evaluated: 2025-07-22. Review status: criteria provided, single submitter. Criteria: ACMG Guidelines, 2015. Collection method: clinical testing. Allele origin: germline. Affected: yes.
Comment: This variant is classified as VUS-3A. Evidence in support of pathogenic classification: Canonical splice site variant without proven consequence on splicing (no functional evidence available); Variant is absent from gnomAD (v2, v3 and v4); Abnormal splicing is predicted by in silico tool and affected nucleotide is highly conserved; Strong phenotype match for this individual. Additional information: This variant is heterozygous; This gene is associated with autosomal recessive disease; This variant has no previous evidence of pathogenicity; No published evidence of segregation with disease has been identified for this variant; No published functional evidence has been identified for this variant; No comparable splice site variants have previous evidence for pathogenicity; Loss of function is a known mechanism of disease in this gene and is associated with mitochondrial DNA depletion syndrome 5 (encephalomyopathic with or without methylmalonic aciduria) (MIM#612073).

NM_003850.3(SUCLA2):c.1317+1G>A

Gene: SUCLA2 (succinate-CoA ligase ADP-forming subunit beta; minus strand). Cytogenetic location: 13q14.2.
Variant type: single nucleotide variant.
Coding change: c.1317+1G>A on transcript NM_003850.3 (MANE Select); the canonical splice donor site of the intron after coding-DNA position 1317, G replaced by A.
Molecular consequence: splice donor variant.
Genome position (GRCh38, 1-based): chr13:47,948,939, C>T on the plus strand (G>A on the coding strand, the complement: SUCLA2 is on the minus strand). VCF-style: chr13-47948939-C-T. GRCh37 (hg19) VCF-style: chr13-48523074-C-T.
Identifiers: ClinVar variation 4531457 (VCV004531457.1).
Genomic context (GRCh38, chr13:47,948,939, plus strand): 5'-ATTAGGTTCATTTTAGAATCTGTGTTTATAAATCCTCCTTAGATGAACATGGCCAATTTA[C>T]CATTCTAGCAGCTTCATCCAAGTCATCACAAGCAAGTATTTTAAGTCCACTGTCCGCTAT-3'